The following is an entry in ClinVar:

ClinVar aggregate classification (germline): Uncertain significance (1 of 4 stars; one submission).

Conditions:
Charcot-Marie-Tooth Neuropathy X. Identifiers: MedGen CN118851.

Submission:

Labcorp Genetics (formerly Invitae), Labcorp
Classification: Uncertain significance for Charcot-Marie-Tooth Neuropathy X. Last evaluated: 2023-06-15. Review status: criteria provided, single submitter. Criteria: Invitae Variant Classification Sherloc (09022015). Collection method: clinical testing. Allele origin: germline.
Comment: This variant disrupts the p.Asp66 amino acid residue in GJB1. Other variant(s) that disrupt this residue have been observed in individuals with GJB1-related conditions (PMID: 21300330, 34190362), which suggests that this may be a clinically significant amino acid residue. In summary, the available evidence is currently insufficient to determine the role of this variant in disease. Therefore, it has been classified as a Variant of Uncertain Significance. Advanced modeling of protein sequence and biophysical properties (such as structural, functional, and spatial information, amino acid conservation, physicochemical variation, residue mobility, and thermodynamic stability) performed at Invitae indicates that this missense variant is expected to disrupt GJB1 protein function. This sequence change replaces aspartic acid, which is acidic and polar, with glutamic acid, which is acidic and polar, at codon 66 of the GJB1 protein (p.Asp66Glu). This variant is not present in population databases (gnomAD no frequency). This variant has not been reported in the literature in individuals affected with GJB1-related conditions.

Literature cited by the submitters: PubMed 21300330; PubMed 34190362.

NM_000166.6(GJB1):c.198C>G (p.Asp66Glu)

Gene: GJB1 (gap junction protein beta 1; plus strand). Cytogenetic location: Xq13.1.
Variant type: single nucleotide variant.
Coding change: c.198C>G on transcript NM_000166.6 (MANE Select); coding-DNA position 198, C replaced by G.
Protein change: p.Asp66Glu; replaces aspartic acid 66 with glutamic acid.
Molecular consequence: missense variant.
Genome position (GRCh38, 1-based): chrX:71,223,905, C>G. VCF-style: chrX-71223905-C-G. GRCh37 (hg19) VCF-style: chrX-70443755-C-G.
Other names: c.198C>G, p.Asp66Glu (NM_001097642.3); short protein forms D66E.
Identifiers: ClinVar variation 2863019 (VCV002863019.3), dbSNP rs2519798035, ClinGen allele CA413501397.